The following is an entry in ClinVar:

ClinVar aggregate classification (germline): Uncertain significance. Review status: criteria provided, multiple submitters, no conflicts (2 of 4 stars). 3 submissions from 3 submitters: Uncertain significance (2). 1 of the submissions does not count toward it. Last evaluated 2025-10-21.

Conditions:
Inborn genetic diseases. Identifiers: MedGen C0950123, MeSH D030342.
Autosomal recessive limb-girdle muscular dystrophy type 2O. Also called: MUSCULAR DYSTROPHY-DYSTROGLYCANOPATHY (LIMB-GIRDLE), TYPE C, 3; MUSCULAR DYSTROPHY-DYSTROGLYCANOPATHY, LIMB-GIRDLE, POMGNT1-RELATED; Limb-Girdle Muscular Dystrophy Type 3C. Identifiers: Orphanet 206564, MedGen C3150417, MONDO:0013161, OMIM 613157.
Muscular dystrophy-dystroglycanopathy (congenital with impaired intellectual development), type B, 3. Also called: MUSCULAR DYSTROPHY, CONGENITAL, POMGNT1-RELATED; Muscular dystrophy-dystroglycanopathy (congenital with intellectual disability), type B3. Identifiers: MedGen C3150412, MONDO:0013155, OMIM 613151.
Muscle eye brain disease (MEB). Also called: Santavuori congenital muscular dystrophy. Identifiers: Orphanet 588, Orphanet 899, MedGen C0457133, MONDO:0018939.

Allele frequency attached by ClinVar (database versions not stated): 1000 Genomes Project 30x 0.00016; gnomAD exomes 0.00003 and 0.00014; gnomAD 0.00004; TOPMed 0.00007; ExAC 0.00002; ESP Exome Variant Server 0.00008.
gnomAD v4.1: 206 of 1,614,224 alleles (0.013%); highest among the groups gnomAD compares: Non-Finnish European, 0.017%; no homozygotes.

Submissions (3):

Ambry Genetics
Classification: Uncertain significance for Inborn genetic diseases. Last evaluated: 2025-10-21. Review status: criteria provided, single submitter. Criteria: Ambry Variant Classification Scheme 2023. Collection method: clinical testing. Allele origin: germline.

Labcorp Genetics (formerly Invitae), Labcorp
Classification: Uncertain significance for Autosomal recessive limb-girdle muscular dystrophy type 2O; Muscular dystrophy-dystroglycanopathy (congenital with impaired intellectual development), type B, 3. Last evaluated: 2022-11-01. Review status: criteria provided, single submitter. Criteria: Invitae Variant Classification Sherloc (09022015). Collection method: clinical testing. Allele origin: germline.
Comment: This sequence change replaces aspartic acid, which is acidic and polar, with asparagine, which is neutral and polar, at codon 258 of the POMGNT1 protein (p.Asp258Asn). This variant is present in population databases (rs143736961, gnomAD 0.005%). This variant has not been reported in the literature in individuals affected with POMGNT1-related conditions. ClinVar contains an entry for this variant (Variation ID: 834279). Advanced modeling of protein sequence and biophysical properties (such as structural, functional, and spatial information, amino acid conservation, physicochemical variation, residue mobility, and thermodynamic stability) performed at Invitae indicates that this missense variant is not expected to disrupt POMGNT1 protein function. In summary, the available evidence is currently insufficient to determine the role of this variant in disease. Therefore, it has been classified as a Variant of Uncertain Significance.

Natera, Inc.
Classification: Uncertain significance for Muscle-eye-brain disease. Last evaluated: 2020-09-16. Review status: no assertion criteria provided. Collection method: clinical testing. Allele origin: germline. Not counted in ClinVar's aggregate classification.

NM_017739.4(POMGNT1):c.772G>A (p.Asp258Asn)

Genes: POMGNT1 (protein O-linked mannose N-acetylglucosaminyltransferase 1 (beta 1,2-); minus strand), TSPAN1 (tetraspanin 1; plus strand). Cytogenetic location: 1p34.1.
Variant type: single nucleotide variant.
Coding change: c.772G>A on transcript NM_017739.4 (MANE Select); coding-DNA position 772, G replaced by A.
Protein change: p.Asp258Asn; replaces aspartic acid 258 with asparagine.
Molecular consequence: missense variant.
Genome position (GRCh38, 1-based): chr1:46,194,381, C>T on the plus strand (G>A on the coding strand, the complement: POMGNT1 is on the minus strand). VCF-style: chr1-46194381-C-T. GRCh37 (hg19) VCF-style: chr1-46660053-C-T.
Other names: c.772G>A, p.Asp258Asn (NM_001243766.2, NM_001410783.1); c.706G>A, p.Asp236Asn (NM_001290129.3); c.343G>A, p.Asp115Asn (NM_001290130.2); short protein forms D236N, D115N, D258N.
Identifiers: ClinVar variation 834279 (VCV000834279.6), dbSNP rs143736961, ClinGen allele CA833610.